The following is an entry in ClinVar:

ClinVar aggregate classification (germline): Uncertain significance (1 of 4 stars; one submission).

Allele frequency attached by ClinVar (database versions not stated): gnomAD 0.00001; gnomAD exomes 0.00001; TOPMed 0.00002.

Submission:

Labcorp Genetics (formerly Invitae), Labcorp
Classification: Uncertain significance. Last evaluated: 2025-10-03. Review status: criteria provided, single submitter. Criteria: Invitae Variant Classification Sherloc (09022015). Collection method: clinical testing. Allele origin: germline.
Comment: This sequence change creates a premature translational stop signal (p.Gln279*) in the SCO1 gene. While this is not anticipated to result in nonsense mediated decay, it is expected to disrupt the last 23 amino acid(s) of the SCO1 protein. This variant is present in population databases (no rsID available, gnomAD 0.009%). This variant has not been reported in the literature in individuals affected with SCO1-related conditions. ClinVar contains an entry for this variant (Variation ID: 2716117). Experimental studies and prediction algorithms are not available or were not evaluated, and the functional significance of this variant is currently unknown. In summary, the available evidence is currently insufficient to determine the role of this variant in disease. Therefore, it has been classified as a Variant of Uncertain Significance.

NM_004589.4(SCO1):c.835C>T (p.Gln279Ter)

Gene: SCO1 (synthesis of cytochrome C oxidase 1; minus strand). Cytogenetic location: 17p13.1.
Variant type: single nucleotide variant.
Coding change: c.835C>T on transcript NM_004589.4 (MANE Select); coding-DNA position 835, C replaced by T.
Protein change: p.Gln279Ter; replaces glutamine 279 with a stop codon.
Molecular consequence: nonsense.
Genome position (GRCh38, 1-based): chr17:10,681,190, G>A on the plus strand (C>T on the coding strand, the complement: SCO1 is on the minus strand). VCF-style: chr17-10681190-G-A. GRCh37 (hg19) VCF-style: chr17-10584507-G-A.
Other names: short protein forms Q279*.
Identifiers: ClinVar variation 2716117 (VCV002716117.3), dbSNP rs1469956745, ClinGen allele CA398126651.